The following is an entry in ClinVar:

NM_013335.4(GMPPA):c.366C>G (p.Pro122=)

Genes: ASIC4-AS1 (ASIC4 antisense RNA 1; minus strand), GMPPA (GDP-mannose pyrophosphorylase A; plus strand). Cytogenetic location: 2q35.
Variant type: single nucleotide variant.
Coding change: c.366C>G on transcript NM_013335.4 (MANE Select); coding-DNA position 366, C replaced by G.
Protein change: p.Pro122=; no amino-acid change (proline 122 retained).
Molecular consequence: synonymous variant.
Genome position (GRCh38, 1-based): chr2:219,501,974, C>G. VCF-style: chr2-219501974-C-G. GRCh37 (hg19) VCF-style: chr2-220366696-C-G.
Other names: c.366C>G, p.Pro122= (NM_205847.3).
Identifiers: ClinVar variation 513616 (VCV000513616.13), dbSNP rs186735505, ClinGen allele CA2128124.

ClinVar aggregate classification (germline): Benign/Likely benign. Review status: criteria provided, multiple submitters, no conflicts (2 of 4 stars). 4 submissions from 4 submitters: Benign (1); Likely benign (3). Last evaluated 2024-11-14.

Conditions:
Alacrima, achalasia, and impaired intellectual development syndrome. Also called: Alacrima, achalasia, and intellectual disability syndrome; Alacrima, achalasia, and mental retardation syndrome. Identifiers: Orphanet 869, MedGen C4706563, MONDO:0014219, OMIM 615510.

Allele frequency attached by ClinVar (database versions not stated): 1000 Genomes Project 0.00080; ExAC 0.00073; 1000 Genomes Project 30x 0.00094; gnomAD exomes 0.00019 and 0.00068; gnomAD 0.00035; TOPMed 0.00052.
gnomAD v4.1: 310 of 1,614,208 alleles (0.019%); highest among the groups gnomAD compares: East Asian, 0.66%; 1 homozygote.

Submissions (4):

Blueprint Genetics
Classification: Likely benign. Last evaluated: 2024-11-14. Review status: criteria provided, single submitter. Criteria: ACMG Guidelines, 2015. Collection method: clinical testing. Allele origin: germline.

Labcorp Genetics (formerly Invitae), Labcorp
Classification: Benign for Alacrima, achalasia, and impaired intellectual development syndrome. Last evaluated: 2024-08-09. Review status: criteria provided, single submitter. Criteria: Invitae Variant Classification Sherloc (09022015). Collection method: clinical testing. Allele origin: germline.

GeneDx
Classification: Likely benign. Last evaluated: 2017-12-11. Review status: criteria provided, single submitter. Criteria: GeneDx Variant Classification (06012015). Collection method: clinical testing. Allele origin: germline. Affected: yes.
Comment: This variant is considered likely benign or benign based on one or more of the following criteria: it is a conservative change, it occurs at a poorly conserved position in the protein, it is predicted to be benign by multiple in silico algorithms, and/or has population frequency not consistent with disease.

Breakthrough Genomics
Classification: Likely benign. Review status: criteria provided, single submitter. Criteria: ACMG Guidelines, 2015. Collection method: not provided. Allele origin: germline. Inheritance: Autosomal recessive inheritance. Affected: yes.